The following is an entry in ClinVar:

ClinVar aggregate classification (germline): Uncertain significance (1 of 4 stars; one submission).

Submission:

Labcorp Genetics (formerly Invitae), Labcorp
Classification: Uncertain significance. Last evaluated: 2025-12-15. Review status: criteria provided, single submitter. Criteria: Invitae Variant Classification Sherloc (09022015). Collection method: clinical testing. Allele origin: germline.
Comment: This sequence change replaces phenylalanine, which is neutral and non-polar, with serine, which is neutral and polar, at codon 1734 of the PCDH15 protein (p.Phe1734Ser). This variant is not present in population databases (gnomAD no frequency). This variant has not been reported in the literature in individuals affected with PCDH15-related conditions. ClinVar contains an entry for this variant (Variation ID: 2103303). Invitae Evidence Modeling of protein sequence and biophysical properties (such as structural, functional, and spatial information, amino acid conservation, physicochemical variation, residue mobility, and thermodynamic stability) indicates that this missense variant is not expected to disrupt PCDH15 protein function with a negative predictive value of 95%. In summary, the available evidence is currently insufficient to determine the role of this variant in disease. Therefore, it has been classified as a Variant of Uncertain Significance.

NM_033056.4(PCDH15):c.5201T>C (p.Phe1734Ser)

Gene: PCDH15 (protocadherin related 15; minus strand). Cytogenetic location: 10q21.1.
Variant type: single nucleotide variant.
Coding change: c.5201T>C on transcript NM_033056.4 (MANE Plus Clinical); coding-DNA position 5201, T replaced by C.
Protein change: p.Phe1734Ser; replaces phenylalanine 1734 with serine.
Molecular consequence: missense variant. On other transcripts: intron variant (8).
Genome position (GRCh38, 1-based): chr10:53,822,525, A>G on the plus strand (T>C on the coding strand, the complement: PCDH15 is on the minus strand). VCF-style: chr10-53822525-A-G. GRCh37 (hg19) VCF-style: chr10-55582285-A-G.
Other names: c.5222T>C, p.Phe1741Ser (NM_001142763.2); c.5207T>C, p.Phe1736Ser (NM_001142764.2); c.4994T>C, p.Phe1665Ser (NM_001142765.2); c.5192T>C, p.Phe1731Ser (NM_001142766.2); c.5081T>C, p.Phe1694Ser (NM_001142767.2); c.5141T>C, p.Phe1714Ser (NM_001142768.2); c.5132T>C, p.Phe1711Ser (NM_001142773.2); c.5135T>C, p.Phe1712Ser (NM_001354404.2); and 7 more; short protein forms F1665S, F1694S, F1714S, F1711S, F1734S, F1736S, F1712S, F1731S.
Identifiers: ClinVar variation 2103303 (VCV002103303.4), dbSNP rs2492372504, ClinGen allele CA376525489.